The following is an entry in ClinVar:

NM_005262.3(GFER):c.368C>T (p.Pro123Leu)

Gene: GFER (growth factor, augmenter of liver regeneration; plus strand). Cytogenetic location: 16p13.3.
Variant type: single nucleotide variant.
Coding change: c.368C>T on transcript NM_005262.3 (MANE Select); coding-DNA position 368, C replaced by T.
Protein change: p.Pro123Leu; replaces proline 123 with leucine.
Molecular consequence: missense variant.
Genome position (GRCh38, 1-based): chr16:1,984,856, C>T. VCF-style: chr16-1984856-C-T. GRCh37 (hg19) VCF-style: chr16-2034857-C-T.
Other names: c.368C>T (NM_005262.2); short protein forms P123L.
Identifiers: ClinVar variation 2145553 (VCV002145553.2), dbSNP rs774235374, ClinGen allele CA7826024.

ClinVar aggregate classification (germline): Uncertain significance. Review status: criteria provided, multiple submitters, no conflicts (2 of 4 stars). 2 submissions from 2 submitters: Uncertain significance (2). Last evaluated 2025-08-13.

Conditions:
Inborn genetic diseases. Identifiers: MedGen C0950123, MeSH D030342.

Submissions (2):

Ambry Genetics
Classification: Uncertain significance for Inborn genetic diseases. Last evaluated: 2025-08-13. Review status: criteria provided, single submitter. Criteria: Ambry Variant Classification Scheme 2023. Collection method: clinical testing. Allele origin: germline.

Labcorp Genetics (formerly Invitae), Labcorp
Classification: Uncertain significance. Last evaluated: 2022-04-06. Review status: criteria provided, single submitter. Criteria: Invitae Variant Classification Sherloc (09022015). Collection method: clinical testing. Allele origin: germline.
Comment: This sequence change replaces proline, which is neutral and non-polar, with leucine, which is neutral and non-polar, at codon 123 of the GFER protein (p.Pro123Leu). This variant is present in population databases (rs774235374, gnomAD 0.03%). This variant has not been reported in the literature in individuals affected with GFER-related conditions. Algorithms developed to predict the effect of missense changes on protein structure and function output the following: SIFT: "Tolerated"; PolyPhen-2: "Benign"; Align-GVGD: "Class C0". The leucine amino acid residue is found in multiple mammalian species, which suggests that this missense change does not adversely affect protein function. In summary, the available evidence is currently insufficient to determine the role of this variant in disease. Therefore, it has been classified as a Variant of Uncertain Significance.